The following is an entry in ClinVar:

ClinVar aggregate classification (germline): Uncertain significance. Review status: criteria provided, multiple submitters, no conflicts (2 of 4 stars). 2 submissions from 2 submitters: Uncertain significance (2). Last evaluated 2026-01-11.

Conditions:
Acute myeloid leukemia (AML). Also called: Leukemia, acute myeloid, somatic; Leukemia, acute myelogenous, somatic; Acute myeloid leukemia, adult; AML adult; Acute non-lymphocytic leukemia; Acute granulocytic leukemia. Identifiers: Orphanet 519, MedGen C0023467, MeSH D015470, MONDO:0018874, OMIM 601626, HP:0004808. Disease mechanism: Constitutively activated FLT3.
Inborn genetic diseases. Identifiers: MedGen C0950123, MeSH D030342.

Submissions (2):

Ambry Genetics
Classification: Uncertain significance for Inborn genetic diseases. Last evaluated: 2026-01-11. Review status: criteria provided, single submitter. Criteria: Ambry Variant Classification Scheme 2023. Collection method: clinical testing. Allele origin: germline.
Comment: The p.P225L variant (also known as c.674C>T), located in coding exon 1 of the CEBPA gene, results from a C to T substitution at nucleotide position 674. The proline at codon 225 is replaced by leucine, an amino acid with similar properties. This amino acid position is conserved. In addition, this alteration is predicted to be tolerated by in silico analysis. Based on the available evidence, the clinical significance of this variant remains unclear.

Labcorp Genetics (formerly Invitae), Labcorp
Classification: Uncertain significance for Acute myeloid leukemia. Last evaluated: 2024-02-17. Review status: criteria provided, single submitter. Criteria: Invitae Variant Classification Sherloc (09022015). Collection method: clinical testing. Allele origin: germline.
Comment: This sequence change replaces proline, which is neutral and non-polar, with leucine, which is neutral and non-polar, at codon 225 of the CEBPA protein (p.Pro225Leu). This variant is not present in population databases (gnomAD no frequency). This variant has not been reported in the literature in individuals affected with CEBPA-related conditions. ClinVar contains an entry for this variant (Variation ID: 1462620). Advanced modeling of protein sequence and biophysical properties (such as structural, functional, and spatial information, amino acid conservation, physicochemical variation, residue mobility, and thermodynamic stability) has been performed at Invitae for this missense variant, however the output from this modeling did not meet the statistical confidence thresholds required to predict the impact of this variant on CEBPA protein function. In summary, the available evidence is currently insufficient to determine the role of this variant in disease. Therefore, it has been classified as a Variant of Uncertain Significance.

NM_004364.5(CEBPA):c.674C>T (p.Pro225Leu)

Gene: CEBPA (CCAAT enhancer binding protein alpha; minus strand). Cytogenetic location: 19q13.11.
Variant type: single nucleotide variant.
Coding change: c.674C>T on transcript NM_004364.5 (MANE Select); coding-DNA position 674, C replaced by T.
Protein change: p.Pro225Leu; replaces proline 225 with leucine.
Molecular consequence: missense variant.
Genome position (GRCh38, 1-based): chr19:33,301,741, G>A on the plus strand (C>T on the coding strand, the complement: CEBPA is on the minus strand). VCF-style: chr19-33301741-G-A. GRCh37 (hg19) VCF-style: chr19-33792647-G-A.
Other names: c.317C>T, p.Pro106Leu (NM_001285829.2); c.779C>T, p.Pro260Leu (NM_001287424.2); c.632C>T, p.Pro211Leu (NM_001287435.2); c.674C>T (NM_004364.3); short protein forms P211L, P225L, P260L, P106L.
Identifiers: ClinVar variation 1462620 (VCV001462620.7), dbSNP rs1241253530, ClinGen allele CA405274442.
Genomic context (GRCh38, chr19:33,301,741, plus strand): 5'-CCGGCGGCACCGAGCGCGGGCGCGGGGTGCGGGCTGGGCACGGGCGTGGGCGGCGGCGTG[G>A]GGTGACCGGGCTGCAGGTGCATGGTGGTCTGGCCGCAGTGCGCGATCTGGAACTGCAGGT-3'
Protein context (NP_004355.2, residues 215-235): QTTMHLQPGH[Pro225Leu]TPPPTPVPSP